The following is an entry in ClinVar:

NM_130384.3(ATRIP):c.869A>C (p.Gln290Pro)

Genes: ATRIP (ATR interacting protein; plus strand), ATRIP-TREX1 (ATRIP-TREX1 readthrough; plus strand). Cytogenetic location: 3p21.31.
Variant type: single nucleotide variant.
Coding change: c.869A>C on transcript NM_130384.3 (MANE Select); coding-DNA position 869, A replaced by C.
Protein change: p.Gln290Pro; replaces glutamine 290 with proline.
Molecular consequence: missense variant. On other transcripts: non-coding transcript variant (1).
Genome position (GRCh38, 1-based): chr3:48,459,398, A>C. VCF-style: chr3-48459398-A-C. GRCh37 (hg19) VCF-style: chr3-48500797-A-C.
Other names: c.488A>C, p.Gln163Pro (NM_001271022.2); c.590A>C, p.Gln197Pro (NM_001271023.2); c.869A>C, p.Gln290Pro (NM_032166.4); short protein forms Q197P, Q163P, Q290P.
Identifiers: ClinVar variation 4181896 (VCV004181896.1).
Genomic context (GRCh38, chr3:48,459,398, plus strand): 5'-TTACATTTTATCACATTTCAGATAGTAAGCCCCACAGTCTGAGAGGTGACTCCATAAAAC[A>C]AGAAGAGGCCCAGAAAAGCTTTGTTGACAGCTGGAGACAGAGATCAAACACTCAAGGTAC-3'
Protein context (NP_569055.1, residues 280-300): PHSLRGDSIK[Gln290Pro]EEAQKSFVDS

ClinVar aggregate classification (germline): Uncertain significance (1 of 4 stars; one submission).

Submission:

Ambry Genetics
Classification: Uncertain significance. Last evaluated: 2025-06-26. Review status: criteria provided, single submitter. Criteria: Ambry Variant Classification Scheme 2023. Collection method: clinical testing. Allele origin: germline.
Comment: The p.Q290P variant (also known as c.869A>C), located in coding exon 6 of the ATRIP gene, results from an A to C substitution at nucleotide position 869. The glutamine at codon 290 is replaced by proline, an amino acid with similar properties. This amino acid position is conserved. In addition, this alteration is predicted to be tolerated by in silico analysis. Based on the available evidence, the clinical significance of this variant remains unclear.